The following is an entry in ClinVar:

ClinVar aggregate classification (germline): Uncertain significance (1 of 4 stars; one submission).

Conditions:
Charcot-Marie-Tooth disease axonal type 2V. Also called: CHARCOT-MARIE-TOOTH NEUROPATHY, TYPE 2V; CHARCOT-MARIE-TOOTH DISEASE, AXONAL, AUTOSOMAL DOMINANT, TYPE 2V. Identifiers: Orphanet 447964, MedGen C5569050, MONDO:0014665, OMIM 616491.
Mucopolysaccharidosis, MPS-III-B (MPS3B). Also called: MUCOPOLYSACCHARIDOSIS, TYPE IIIB; Mucopolysaccharidosis type IIIB (Sanfilippo B); N-ACETYL-ALPHA-D-GLUCOSAMINIDASE DEFICIENCY; NAGLU DEFICIENCY; SANFILIPPO SYNDROME B; MPS III B. Identifiers: Orphanet 79270, MedGen C0086648, MONDO:0009656, OMIM 252920.

Submission:

Labcorp Genetics (formerly Invitae), Labcorp
Classification: Uncertain significance for Charcot-Marie-Tooth disease axonal type 2V; Mucopolysaccharidosis, MPS-III-B. Last evaluated: 2022-08-15. Review status: criteria provided, single submitter. Criteria: Invitae Variant Classification Sherloc (09022015). Collection method: clinical testing. Allele origin: germline.
Comment: This sequence change replaces alanine, which is neutral and non-polar, with glycine, which is neutral and non-polar, at codon 681 of the NAGLU protein (p.Ala681Gly). This variant is not present in population databases (gnomAD no frequency). This variant has not been reported in the literature in individuals affected with NAGLU-related conditions. Advanced modeling of protein sequence and biophysical properties (such as structural, functional, and spatial information, amino acid conservation, physicochemical variation, residue mobility, and thermodynamic stability) performed at Invitae indicates that this missense variant is not expected to disrupt NAGLU protein function. In summary, the available evidence is currently insufficient to determine the role of this variant in disease. Therefore, it has been classified as a Variant of Uncertain Significance.

NM_000263.4(NAGLU):c.2042C>G (p.Ala681Gly)

Gene: NAGLU (N-acetyl-alpha-glucosaminidase; plus strand). Cytogenetic location: 17q21.2.
Variant type: single nucleotide variant.
Coding change: c.2042C>G on transcript NM_000263.4 (MANE Select); coding-DNA position 2042, C replaced by G.
Protein change: p.Ala681Gly; replaces alanine 681 with glycine.
Molecular consequence: missense variant.
Genome position (GRCh38, 1-based): chr17:42,544,048, C>G. VCF-style: chr17-42544048-C-G. GRCh37 (hg19) VCF-style: chr17-40696066-C-G.
Other names: short protein forms A681G.
Identifiers: ClinVar variation 1900102 (VCV001900102.5), dbSNP rs540744217, ClinGen allele CA399605976.
Genomic context (GRCh38, chr17:42,544,048, plus strand): 5'-AGCAGCTGGCGGGGTTGGTGGCCAACTACTACACCCCTCGCTGGCGGCTTTTCCTGGAGG[C>G]GCTGGTTGACAGTGTGGCCCAGGGCATCCCTTTCCAACAGCACCAGTTTGACAAAAATGT-3'
Protein context (NP_000254.2, residues 671-691): YTPRWRLFLE[Ala681Gly]LVDSVAQGIP